The following is an entry in ClinVar:

NM_006914.4(RORB):c.137G>T (p.Cys46Phe)

Gene: RORB (RAR related orphan receptor B; plus strand). Cytogenetic location: 9q21.13.
Variant type: single nucleotide variant.
Coding change: c.137G>T on transcript NM_006914.4 (MANE Select); coding-DNA position 137, G replaced by T.
Protein change: p.Cys46Phe; replaces cysteine 46 with phenylalanine.
Molecular consequence: missense variant.
Genome position (GRCh38, 1-based): chr9:74,634,674, G>T. VCF-style: chr9-74634674-G-T. GRCh37 (hg19) VCF-style: chr9-77249590-G-T.
Other names: c.170G>T, p.Cys57Phe (NM_001365023.1); short protein forms C46F, C57F.
Identifiers: ClinVar variation 1353211 (VCV001353211.7), dbSNP rs2118433165, ClinGen allele CA373772180.

ClinVar aggregate classification (germline): Conflicting classifications of pathogenicity. Review status: criteria provided, conflicting classifications (1 of 4 stars). 2 submissions from 2 submitters: Pathogenic (1); Uncertain significance (1). Last evaluated 2022-05-04.

Conditions:
Epilepsy, idiopathic generalized, susceptibility to, 15 (EIG15). Identifiers: MedGen C5193050, MONDO:0032699, OMIM 618357.

Submissions (2):

Mendelics
Classification: Pathogenic for Epilepsy, idiopathic generalized, susceptibility to, 15. Last evaluated: 2022-05-04. Review status: criteria provided, single submitter. Criteria: Mendelics Assertion Criteria 2019. Collection method: clinical testing. Allele origin: germline.

Labcorp Genetics (formerly Invitae), Labcorp
Classification: Uncertain significance. Last evaluated: 2022-01-17. Review status: criteria provided, single submitter. Criteria: Invitae Variant Classification Sherloc (09022015). Collection method: clinical testing. Allele origin: germline.
Comment: In summary, the available evidence is currently insufficient to determine the role of this variant in disease. Therefore, it has been classified as a Variant of Uncertain Significance. Algorithms developed to predict the effect of missense changes on protein structure and function (SIFT, PolyPhen-2, Align-GVGD) all suggest that this variant is likely to be disruptive. This variant has not been reported in the literature in individuals affected with RORB-related conditions. This variant is not present in population databases (gnomAD no frequency). This sequence change replaces cysteine, which is neutral and slightly polar, with phenylalanine, which is neutral and non-polar, at codon 46 of the RORB protein (p.Cys46Phe).